The following is an entry in ClinVar:

ClinVar aggregate classification (germline): Pathogenic. Review status: criteria provided, multiple submitters, no conflicts (2 of 4 stars). 3 submissions from 3 submitters: Pathogenic (3). Last evaluated 2025-10-14.

Conditions:
Primary ciliary dyskinesia. Also called: Ciliary dyskinesia. Identifiers: Orphanet 244, MedGen C0008780, MONDO:0016575, HP:0012265.
Primary ciliary dyskinesia 7. Also called: CILIARY DYSKINESIA, PRIMARY, 7, WITH OR WITHOUT SITUS INVERSUS. Identifiers: Orphanet 244, MedGen C2678473, MONDO:0012748, OMIM 611884.
DNAH11-related disorders.

Allele frequency attached by ClinVar (database versions not stated): TOPMed 0.00001; ExAC 0.00003; gnomAD exomes 0.00004.
gnomAD v4.1: 16 of 1,607,998 alleles (0.001%); highest among the groups gnomAD compares: East Asian, 0.016%; no homozygotes.

Submissions (3):

Labcorp Genetics (formerly Invitae), Labcorp
Classification: Pathogenic for Primary ciliary dyskinesia. Last evaluated: 2025-10-14. Review status: criteria provided, single submitter. Criteria: Invitae Variant Classification Sherloc (09022015). Collection method: clinical testing. Allele origin: germline.
Comment: This sequence change creates a premature translational stop signal (p.Arg3346*) in the DNAH11 gene. It is expected to result in an absent or disrupted protein product. Loss-of-function variants in DNAH11 are known to be pathogenic (PMID: 18022865, 20513915, 22184204). This variant is present in population databases (rs773851007, gnomAD 0.05%). This premature translational stop signal has been observed in individual(s) with primary ciliary dyskinesia (PMID: 26909801). ClinVar contains an entry for this variant (Variation ID: 943280). For these reasons, this variant has been classified as Pathogenic.

Fulgent Genetics
Classification: Pathogenic for Primary ciliary dyskinesia 7. Last evaluated: 2024-06-17. Review status: criteria provided, single submitter. Criteria: ACMG Guidelines, 2015. Collection method: clinical testing. Allele origin: germline.

Blueprint Genetics
Classification: Pathogenic for DNAH11-related disorders. Last evaluated: 2022-08-01. Review status: criteria provided, single submitter. Criteria: ACMG Guidelines, 2015. Collection method: clinical testing. Allele origin: germline. Affected: yes. Observed: 5 variant alleles.

Literature cited by the submitters: PubMed 18022865 (cited by Labcorp Genetics (formerly Invitae), Labcorp); PubMed 20513915 (cited by Labcorp Genetics (formerly Invitae), Labcorp); PubMed 22184204 (cited by Labcorp Genetics (formerly Invitae), Labcorp); PubMed 26909801 (cited by Labcorp Genetics (formerly Invitae), Labcorp).

NM_001277115.2(DNAH11):c.10036C>T (p.Arg3346Ter)

Gene: DNAH11 (dynein axonemal heavy chain 11; plus strand). Cytogenetic location: 7p15.3.
Variant type: single nucleotide variant.
Coding change: c.10036C>T on transcript NM_001277115.2 (MANE Select); coding-DNA position 10036, C replaced by T.
Protein change: p.Arg3346Ter; replaces arginine 3346 with a stop codon.
Molecular consequence: nonsense.
Genome position (GRCh38, 1-based): chr7:21,801,146, C>T. VCF-style: chr7-21801146-C-T. GRCh37 (hg19) VCF-style: chr7-21840764-C-T.
Other names: short protein forms R3346*.
Identifiers: ClinVar variation 943280 (VCV000943280.12), dbSNP rs773851007, ClinGen allele CA4182212.